The following is an entry in ClinVar:

NM_014956.5(CEP164):c.1946del (p.Glu649fs)

Gene: CEP164 (centrosomal protein 164; plus strand). Cytogenetic location: 11q23.3.
Variant type: Deletion.
Coding change: c.1946del on transcript NM_014956.5 (MANE Select); coding-DNA position 1946, one base deleted (A; older notation c.1946delA).
Protein change: p.Glu649fs; shifts the reading frame from glutamic acid 649.
Molecular consequence: frameshift variant.
Genome position (GRCh38, 1-based): chr11:117,390,788, A deleted. VCF-style (leftmost placement, unchanged base first): chr11-117390787-GA-G. GRCh37 (hg19) VCF-style: chr11-117261503-GA-G.
Other names: c.1955del, p.Glu652fs (NM_001271933.2); short protein forms E652fs, E649fs.
Identifiers: ClinVar variation 280343 (VCV000280343.2), dbSNP rs886041567, ClinGen allele CA10603133.

ClinVar aggregate classification (germline): Pathogenic (1 of 4 stars; one submission).

Submission:

GeneDx
Classification: Pathogenic. Last evaluated: 2016-03-03. Review status: criteria provided, single submitter. Criteria: GeneDx Variant Classification (06012015). Collection method: clinical testing. Allele origin: germline. Affected: yes.
Comment: The c.1946delA pathogenic variant in the CEP164 gene has not been reported previously as a pathogenic variant nor as a benign variant, to our knowledge. The c.1946delA variant causes a frameshift starting with codon Glutamic Acid 649, changes this amino acid to a Glycine residue, and creates a premature Stop codon at position 14 of the new reading frame, denoted p.Glu649GlyfsX14. This variant is predicted to cause loss of normal protein function either through protein truncation or nonsense-mediated mRNA decay. The c.1946delA variant was not observed in approximately 6500 individuals of European and African American ancestry in the NHLBI Exome Sequencing Project, indicating it is not a common benign variant in these populations. We interpret c.1946delA as a pathogenic variant.